The following is an entry in ClinVar:

ClinVar aggregate classification (germline): Uncertain significance (1 of 4 stars; one submission).

Conditions:
Mitochondrial trifunctional protein deficiency. Identifiers: Orphanet 746, MedGen C1969443, MONDO:0012172.
Long chain 3-hydroxyacyl-CoA dehydrogenase deficiency. Also called: Deficiency of long-chain 3-hydroxyacyl-coenzyme A dehydrogenase; LCHAD Deficiency. Identifiers: Orphanet 5, MedGen C3711645, MONDO:0012173, OMIM 609016.

Allele frequency attached by ClinVar (database versions not stated): gnomAD exomes below 0.00001; ExAC 0.00001.
gnomAD v4.1: 5 of 1,604,242 alleles (0.00031%); highest among the groups gnomAD compares: South Asian, 0.0022%; no homozygotes.

Submission:

Labcorp Genetics (formerly Invitae), Labcorp
Classification: Uncertain significance for Mitochondrial trifunctional protein deficiency; Long chain 3-hydroxyacyl-CoA dehydrogenase deficiency. Last evaluated: 2022-09-10. Review status: criteria provided, single submitter. Criteria: Invitae Variant Classification Sherloc (09022015). Collection method: clinical testing. Allele origin: germline.
Comment: This sequence change replaces threonine, which is neutral and polar, with isoleucine, which is neutral and non-polar, at codon 171 of the HADHA protein (p.Thr171Ile). This variant is present in population databases (rs771500299, gnomAD 0.003%). This variant has not been reported in the literature in individuals affected with HADHA-related conditions. Advanced modeling of protein sequence and biophysical properties (such as structural, functional, and spatial information, amino acid conservation, physicochemical variation, residue mobility, and thermodynamic stability) performed at Invitae indicates that this missense variant is not expected to disrupt HADHA protein function. In summary, the available evidence is currently insufficient to determine the role of this variant in disease. Therefore, it has been classified as a Variant of Uncertain Significance.

NM_000182.5(HADHA):c.512C>T (p.Thr171Ile)

Gene: HADHA (hydroxyacyl-CoA dehydrogenase trifunctional multienzyme complex subunit alpha; minus strand). Cytogenetic location: 2p23.3.
Variant type: single nucleotide variant.
Coding change: c.512C>T on transcript NM_000182.5 (MANE Select); coding-DNA position 512, C replaced by T.
Protein change: p.Thr171Ile; replaces threonine 171 with isoleucine.
Molecular consequence: missense variant.
Genome position (GRCh38, 1-based): chr2:26,232,221, G>A on the plus strand (C>T on the coding strand, the complement: HADHA is on the minus strand). VCF-style: chr2-26232221-G-A. GRCh37 (hg19) VCF-style: chr2-26455089-G-A.
Other names: short protein forms T171I.
Identifiers: ClinVar variation 2154582 (VCV002154582.1), dbSNP rs771500299, ClinGen allele CA1559870.